The following is an entry in ClinVar:

NM_001321967.2(ATAD1):c.386T>C (p.Val129Ala)

Gene: ATAD1 (ATPase family AAA domain containing 1; minus strand). Cytogenetic location: 10q23.31.
Variant type: single nucleotide variant.
Coding change: c.386T>C on transcript NM_001321967.2 (MANE Select); coding-DNA position 386, T replaced by C.
Protein change: p.Val129Ala; replaces valine 129 with alanine.
Molecular consequence: missense variant. On other transcripts: non-coding transcript variant (1).
Genome position (GRCh38, 1-based): chr10:87,784,667, A>G on the plus strand (T>C on the coding strand, the complement: ATAD1 is on the minus strand). VCF-style: chr10-87784667-A-G. GRCh37 (hg19) VCF-style: chr10-89544424-A-G.
Other names: c.386T>C, p.Val129Ala (NM_001321968.2, NM_032810.4); c.29T>C, p.Val10Ala (NM_001321969.2); short protein forms V10A, V129A.
Identifiers: ClinVar variation 2042942 (VCV002042942.4), dbSNP rs2493175255, ClinGen allele CA377491447.

ClinVar aggregate classification (germline): Uncertain significance (1 of 4 stars; one submission).

Submission:

Labcorp Genetics (formerly Invitae), Labcorp
Classification: Uncertain significance. Last evaluated: 2022-06-04. Review status: criteria provided, single submitter. Criteria: Invitae Variant Classification Sherloc (09022015). Collection method: clinical testing. Allele origin: germline.
Comment: This sequence change replaces valine, which is neutral and non-polar, with alanine, which is neutral and non-polar, at codon 129 of the ATAD1 protein (p.Val129Ala). This variant is not present in population databases (gnomAD no frequency). This variant has not been reported in the literature in individuals affected with ATAD1-related conditions. Algorithms developed to predict the effect of missense changes on protein structure and function are either unavailable or do not agree on the potential impact of this missense change (SIFT: "Not Available"; PolyPhen-2: "Possibly Damaging"; Align-GVGD: "Not Available"). In summary, the available evidence is currently insufficient to determine the role of this variant in disease. Therefore, it has been classified as a Variant of Uncertain Significance.